The following is an entry in ClinVar:

ClinVar aggregate classification (germline): Uncertain significance (1 of 4 stars; one submission).

Conditions:
Primary ciliary dyskinesia. Also called: Ciliary dyskinesia. Identifiers: Orphanet 244, MedGen C0008780, MONDO:0016575, HP:0012265.

Allele frequency attached by ClinVar (database versions not stated): TOPMed 0.00001.
gnomAD v4.1: 3 of 1,612,754 alleles (0.00019%); highest among the groups gnomAD compares: African/African-American, 0.004%; no homozygotes.

Submission:

Labcorp Genetics (formerly Invitae), Labcorp
Classification: Uncertain significance for Primary ciliary dyskinesia. Last evaluated: 2022-05-24. Review status: criteria provided, single submitter. Criteria: Invitae Variant Classification Sherloc (09022015). Collection method: clinical testing. Allele origin: germline.
Comment: In summary, the available evidence is currently insufficient to determine the role of this variant in disease. Therefore, it has been classified as a Variant of Uncertain Significance. Algorithms developed to predict the effect of missense changes on protein structure and function are either unavailable or do not agree on the potential impact of this missense change (SIFT: "Tolerated"; PolyPhen-2: "Possibly Damaging"; Align-GVGD: "Class C0"). This variant has not been reported in the literature in individuals affected with CCDC39-related conditions. This variant is not present in population databases (gnomAD no frequency). This sequence change replaces leucine, which is neutral and non-polar, with isoleucine, which is neutral and non-polar, at codon 583 of the CCDC39 protein (p.Leu583Ile).

NM_181426.2(CCDC39):c.1747C>A (p.Leu583Ile)

Gene: CCDC39 (coiled-coil domain 39 molecular ruler complex subunit; minus strand). Cytogenetic location: 3q26.33.
Variant type: single nucleotide variant.
Coding change: c.1747C>A on transcript NM_181426.2 (MANE Select); coding-DNA position 1747, C replaced by A.
Protein change: p.Leu583Ile; replaces leucine 583 with isoleucine.
Molecular consequence: missense variant.
Genome position (GRCh38, 1-based): chr3:180,642,120, G>T on the plus strand (C>A on the coding strand, the complement: CCDC39 is on the minus strand). VCF-style: chr3-180642120-G-T. GRCh37 (hg19) VCF-style: chr3-180359908-G-T.
Other names: short protein forms L583I.
Identifiers: ClinVar variation 2176587 (VCV002176587.2), dbSNP rs747263434, ClinGen allele CA355309092.